The following is an entry in ClinVar:

ClinVar aggregate classification (germline): Pathogenic. Review status: criteria provided, multiple submitters, no conflicts (2 of 4 stars). 2 submissions from 2 submitters: Pathogenic (2). Last evaluated 2018-01-01.

Submissions (2):

CeGaT Center for Human Genetics Tuebingen
Classification: Pathogenic. Last evaluated: 2018-01-01. Review status: criteria provided, single submitter. Criteria: CeGaT Center For Human Genetics Tuebingen Variant Classification Criteria Version 2. Collection method: clinical testing. Allele origin: germline. Affected: yes. Observed: 1 variant allele.

GeneDx
Classification: Pathogenic. Last evaluated: 2014-12-16. Review status: criteria provided, single submitter. Criteria: GeneDx Variant Classification (06012015). Collection method: clinical testing. Allele origin: germline. Affected: yes.
Comment: The Q256X nonsense variant in the CDKL5 gene is predicted to cause loss of normal protein function either through protein truncation or nonsense-mediated mRNA decay. Although this variant has not been reported previously to our knowledge, other nonsense variant have been reported in the Human Gene Mutation Database in association with CDKL5-related disorders (Stenson et al., 2014). Therefore, the presence of Q256X is consistent with the diagnosis of a CDKL5-related disorder

NM_001323289.2(CDKL5):c.766C>T (p.Gln256Ter)

Gene: CDKL5 (cyclin dependent kinase like 5; plus strand). Cytogenetic location: Xp22.13.
Variant type: single nucleotide variant.
Coding change: c.766C>T on transcript NM_001323289.2 (MANE Select); coding-DNA position 766, C replaced by T.
Protein change: p.Gln256Ter; replaces glutamine 256 with a stop codon.
Molecular consequence: nonsense.
Genome position (GRCh38, 1-based): chrX:18,595,369, C>T. VCF-style: chrX-18595369-C-T. GRCh37 (hg19) VCF-style: chrX-18613489-C-T.
Other names: c.766C>T, p.Gln256Ter (NM_001037343.2, NM_003159.3); short protein forms Q256*.
Identifiers: ClinVar variation 503610 (VCV000503610.43), dbSNP rs1555951142, ClinGen allele CA412354928.
Genomic context (GRCh38, chrX:18,595,369, plus strand): 5'-TCCCCAAATGTTAACATTCCCTTTGTGTATGTCTCACAGTTTCCAGCTGTTAACCATCCT[C>T]AGTCCTTGGAAAGAAGATACCTTGGAATTTTGAATAGTGTTCTACTTGACCTAATGAAGG-3'